The following is an entry in ClinVar:

ClinVar aggregate classification (germline): Benign/Likely benign. Review status: criteria provided, multiple submitters, no conflicts (2 of 4 stars). 7 submissions from 7 submitters: Benign (6); Likely benign (1). Last evaluated 2026-09-01.

Conditions:
Neuropathy, hereditary sensory and autonomic, type 1C. Also called: HSAN IC; HSN IC. Identifiers: Orphanet 36386, MedGen C3150896, MONDO:0013337, OMIM 613640.
SPTLC2-related disorder. Also called: SPTLC2-related condition.

Allele frequency attached by ClinVar (database versions not stated): gnomAD exomes 0.00037 and 0.00099; ExAC 0.00127; gnomAD 0.00370 and 0.00399; 1000 Genomes Project 0.00439; ESP Exome Variant Server 0.00454; TOPMed 0.00465; 1000 Genomes Project 30x 0.00468.
gnomAD v4.1: 1,152 of 1,614,040 alleles (0.071%); highest among the groups gnomAD compares: African/African-American, 1.3%; 10 homozygotes.

Submissions (7):

CeGaT Center for Human Genetics Tuebingen
Classification: Likely benign. Last evaluated: 2026-09-01. Review status: criteria provided, single submitter. Criteria: CeGaT Center For Human Genetics Tuebingen Variant Classification Criteria Version 2. Collection method: clinical testing. Allele origin: germline. Affected: yes. Observed: 3 variant alleles.
Comment: SPTLC2: BP4, BS1

Labcorp Genetics (formerly Invitae), Labcorp
Classification: Benign for Neuropathy, hereditary sensory and autonomic, type 1C. Last evaluated: 2026-01-27. Review status: criteria provided, single submitter. Criteria: Invitae Variant Classification Sherloc (09022015). Collection method: clinical testing. Allele origin: germline.

PreventionGenetics, part of Exact Sciences
Classification: Benign for SPTLC2-related condition. Last evaluated: 2025-02-08. Review status: criteria provided, single submitter. Criteria: ACMG Guidelines, 2015. Collection method: clinical testing. Allele origin: germline.
Comment: This variant is classified as benign based on ACMG/AMP sequence variant interpretation guidelines (Richards et al. 2015 PMID: 25741868, with internal and published modifications).

ARUP Laboratories, Molecular Genetics and Genomics, ARUP Laboratories
Classification: Benign for Neuropathy, hereditary sensory and autonomic, type 1C. Last evaluated: 2023-11-22. Review status: criteria provided, single submitter. Criteria: ARUP Molecular Germline Variant Investigation Process 2024. Collection method: clinical testing. Allele origin: germline.

Illumina Laboratory Services, Illumina
Classification: Benign for Neuropathy, hereditary sensory and autonomic, type 1C. Last evaluated: 2018-01-13. Review status: criteria provided, single submitter. Criteria: ICSL Variant Classification Criteria 13 December 2019. Collection method: clinical testing. Allele origin: germline.
Comment: This variant was observed in the ICSL laboratory as part of a predisposition screen in an ostensibly healthy population. It had not been previously curated by ICSL or reported in the Human Gene Mutation Database (HGMD: prior to June 1st, 2018), and was therefore a candidate for classification through an automated scoring system. Utilizing variant allele frequency, disease prevalence and penetrance estimates, and inheritance mode, an automated score was calculated to assess if this variant is too frequent to cause the disease. Based on the score and internal cut-off values, a variant classified as benign is not then subjected to further curation. The score for this variant resulted in a classification of benign for this disease.

GeneDx
Classification: Benign. Last evaluated: 2016-07-01. Review status: criteria provided, single submitter. Criteria: GeneDx Variant Classification (06012015). Collection method: clinical testing. Allele origin: germline. Affected: yes.
Comment: This variant is considered likely benign or benign based on one or more of the following criteria: it is a conservative change, it occurs at a poorly conserved position in the protein, it is predicted to be benign by multiple in silico algorithms, and/or has population frequency not consistent with disease.

Breakthrough Genomics
Classification: Benign. Review status: criteria provided, single submitter. Criteria: ACMG Guidelines, 2015. Collection method: not provided. Allele origin: germline. Inheritance: Autosomal dominant inheritance. Affected: yes.

NM_004863.4(SPTLC2):c.1176+7G>A

Gene: SPTLC2 (serine palmitoyltransferase long chain base subunit 2; minus strand). Cytogenetic location: 14q24.3.
Variant type: single nucleotide variant.
Coding change: c.1176+7G>A on transcript NM_004863.4 (MANE Select); 7 bases into the intron after coding-DNA position 1176, G replaced by A.
Molecular consequence: intron variant.
Genome position (GRCh38, 1-based): chr14:77,555,293, C>T on the plus strand (G>A on the coding strand, the complement: SPTLC2 is on the minus strand). VCF-style: chr14-77555293-C-T. GRCh37 (hg19) VCF-style: chr14-78021636-C-T.
Identifiers: ClinVar variation 380693 (VCV000380693.46), dbSNP rs74063297, ClinGen allele CA7289256.